The following is an entry in ClinVar:

NM_001609.4(ACADSB):c.295C>T (p.Gln99Ter)

Gene: ACADSB (acyl-CoA dehydrogenase short/branched chain; plus strand). Cytogenetic location: 10q26.13.
Variant type: single nucleotide variant.
Coding change: c.295C>T on transcript NM_001609.4 (MANE Select); coding-DNA position 295, C replaced by T.
Protein change: p.Gln99Ter; replaces glutamine 99 with a stop codon.
Molecular consequence: nonsense. On other transcripts: intron variant (1).
Genome position (GRCh38, 1-based): chr10:123,037,839, C>T. VCF-style: chr10-123037839-C-T. GRCh37 (hg19) VCF-style: chr10-124797355-C-T.
Other names: c.-3-2627C>T (NM_001330174.3); short protein forms Q99*.
Identifiers: ClinVar variation 281177 (VCV000281177.18), dbSNP rs760791287, ClinGen allele CA5730674.

ClinVar aggregate classification (germline): Pathogenic/Likely pathogenic. Review status: criteria provided, multiple submitters, no conflicts (2 of 4 stars). 9 submissions from 9 submitters: Pathogenic (6); Likely pathogenic (2). 1 of the submissions does not count toward it. Last evaluated 2026-10-18.

Conditions:
Deficiency of 2-methylbutyryl-CoA dehydrogenase (ACADSB). Also called: 2-methylbutyryl-CoA dehydrogenase deficiency; SBCAD deficiency; 2-methylbutyric aciduria; Short branched-chain acyl-CoA dehydrogenase deficiency; 2-methylbutyrylglycinuria. Identifiers: Orphanet 79157, MedGen C1864912, MONDO:0012392, OMIM 610006, HP:0020147.

Allele frequency attached by ClinVar (database versions not stated): gnomAD exomes 0.00001 and below 0.00001; TOPMed below 0.00001; ExAC 0.00002.
gnomAD v4.1: 5 of 1,576,702 alleles (0.00032%); highest among the groups gnomAD compares: South Asian, 0.0055%; no homozygotes.

Submissions (9):

GeneDx
Classification: Pathogenic. Last evaluated: 2026-10-18. Review status: criteria provided, single submitter. Criteria: GeneDx Variant Classification Process June 2021. Collection method: clinical testing. Allele origin: germline.
Comment: Nonsense variant predicted to result in protein truncation or nonsense mediated decay in a gene for which loss of function is a known mechanism of disease; Not observed at significant frequency in large population cohorts (gnomAD); This variant is associated with the following publications: (PMID: 26284228, 25525159, 34503567, 30730842, 20547083)

First Genomix Gene Laboratory, Genetic Diagnostics Department
Classification: Pathogenic for Deficiency of 2-methylbutyryl-CoA dehydrogenase. Last evaluated: 2025-03-28. Review status: criteria provided, single submitter. Criteria: ACMG Guidelines, 2015. Collection method: clinical testing. Allele origin: germline. Inheritance: Autosomal recessive inheritance. Affected: no. Observed: 1 variant allele.

Fulgent Genetics
Classification: Likely pathogenic for Deficiency of 2-methylbutyryl-CoA dehydrogenase. Last evaluated: 2024-05-21. Review status: criteria provided, single submitter. Criteria: ACMG Guidelines, 2015. Collection method: clinical testing. Allele origin: germline.

Neuberg Centre For Genomic Medicine, NCGM
Classification: Pathogenic for Deficiency of 2-methylbutyryl-CoA dehydrogenase. Last evaluated: 2024-02-01. Review status: criteria provided, single submitter. Criteria: ACMG Guidelines, 2015. Collection method: clinical testing. Allele origin: germline. Inheritance: Autosomal recessive inheritance.
Comment: This sequence change creates a premature translational stop signal (p.Gln99*) in the ACADSB gene. It is expected to result in an absent or disrupted protein product. Loss-of-function variants in ACADSB are known to be pathogenic (PMID: 20547083, 26284228). This variant is present in population databases (rs760791287, gnomAD 0.0008%). This variant has not been reported in the literature in individuals affected with ACADSB-related conditions. ClinVar contains an entry for this variant (Variation ID: 281177). For these reasons, this variant has been classified as Pathogenic. In the absence of another reportable variant, the molecular diagnosis is not confirmed.

Labcorp Genetics (formerly Invitae), Labcorp
Classification: Pathogenic for Deficiency of 2-methylbutyryl-CoA dehydrogenase. Last evaluated: 2023-09-06. Review status: criteria provided, single submitter. Criteria: Invitae Variant Classification Sherloc (09022015). Collection method: clinical testing. Allele origin: germline.
Comment: This variant has not been reported in the literature in individuals affected with ACADSB-related conditions. This sequence change creates a premature translational stop signal (p.Gln99*) in the ACADSB gene. It is expected to result in an absent or disrupted protein product. Loss-of-function variants in ACADSB are known to be pathogenic (PMID: 20547083, 26284228). This variant is present in population databases (rs760791287, gnomAD 0.007%). ClinVar contains an entry for this variant (Variation ID: 281177). For these reasons, this variant has been classified as Pathogenic.

Revvity Omics, Revvity
Classification: Pathogenic for Deficiency of 2-methylbutyryl-CoA dehydrogenase. Last evaluated: 2022-11-03. Review status: criteria provided, single submitter. Criteria: ACMG Guidelines, 2015. Collection method: clinical testing. Allele origin: germline.

Baylor Genetics
Classification: Likely pathogenic for Deficiency of 2-methylbutyryl-CoA dehydrogenase. Last evaluated: 2022-03-23. Review status: criteria provided, single submitter. Criteria: ACMG Guidelines, 2015. Collection method: clinical testing. Allele origin: unknown.

Eurofins Ntd Llc (ga)
Classification: Pathogenic. Last evaluated: 2015-12-29. Review status: criteria provided, single submitter. Criteria: EGL Classification Definitions 2015. Collection method: clinical testing. Allele origin: germline. Observed: 2 variant alleles.

OMIM
Classification: Pathogenic for 2-METHYLBUTYRYL-CoA DEHYDROGENASE DEFICIENCY. Last evaluated: 2020-06-10. Review status: no assertion criteria provided. Collection method: literature only. Allele origin: germline. Not counted in ClinVar's aggregate classification.

Literature cited by the submitters: PubMed 20547083 (cited by Labcorp Genetics (formerly Invitae), Labcorp and OMIM); PubMed 26284228 (cited by Labcorp Genetics (formerly Invitae), Labcorp).